The following is an entry in ClinVar:

ClinVar aggregate classification (germline): Likely benign. Review status: criteria provided, multiple submitters, no conflicts (2 of 4 stars). 2 submissions from 2 submitters: Likely benign (2). Last evaluated 2025-10-02.

Conditions:
FLNC-related disorder. Also called: FLNC-related condition; FLNC-related disorders.
Hypertrophic cardiomyopathy 26. Also called: Cardiomyopathy, familial hypertrophic, 26. Identifiers: Orphanet 75249, MedGen C4310749, MONDO:0014883, OMIM 617047.
Distal myopathy with posterior leg and anterior hand involvement. Also called: WILLIAMS DISTAL MYOPATHY. Identifiers: Orphanet 63273, MedGen C3279722, MONDO:0013550, OMIM 614065.
Myofibrillar myopathy 5. Also called: Filaminopathy (type); FILAMINOPATHY, AUTOSOMAL DOMINANT. Identifiers: Orphanet 171445, MedGen C1836050, MONDO:0012289, OMIM 609524.

Allele frequency attached by ClinVar (database versions not stated): gnomAD exomes below 0.00001 and 0.00002; TOPMed 0.00003; gnomAD 0.00004; ESP Exome Variant Server 0.00016.
gnomAD v4.1: 15 of 1,613,852 alleles (0.00093%); highest among the groups gnomAD compares: African/African-American, 0.0067%; no homozygotes.

Submissions (2):

PreventionGenetics, part of Exact Sciences
Classification: Likely benign for FLNC-related condition. Last evaluated: 2025-10-02. Review status: criteria provided, single submitter. Criteria: ACMG Guidelines, 2015. Collection method: clinical testing. Allele origin: germline.
Comment: This variant is classified as likely benign based on ACMG/AMP sequence variant interpretation guidelines (Richards et al. 2015 PMID: 25741868, with internal and published modifications).

Labcorp Genetics (formerly Invitae), Labcorp
Classification: Likely benign for Distal myopathy with posterior leg and anterior hand involvement; Myofibrillar myopathy 5; Hypertrophic cardiomyopathy 26. Last evaluated: 2025-09-22. Review status: criteria provided, single submitter. Criteria: Invitae Variant Classification Sherloc (09022015). Collection method: clinical testing. Allele origin: germline.

NM_001458.5(FLNC):c.5669-9C>T

Genes: FLNC (filamin C; plus strand), FLNC-AS1 (FLNC antisense RNA 1; minus strand). Cytogenetic location: 7q32.1.
Variant type: single nucleotide variant.
Coding change: c.5669-9C>T on transcript NM_001458.5 (MANE Select); 9 bases into the intron before coding-DNA position 5669, C replaced by T.
Molecular consequence: intron variant. On other transcripts: non-coding transcript variant (1).
Genome position (GRCh38, 1-based): chr7:128,851,446, C>T. VCF-style: chr7-128851446-C-T. GRCh37 (hg19) VCF-style: chr7-128491500-C-T.
Other names: c.5570-9C>T (NM_001127487.2).
Identifiers: ClinVar variation 766956 (VCV000766956.12), dbSNP rs374651908, ClinGen allele CA166188953.